The following is an entry in ClinVar:

ClinVar aggregate classification (germline): Pathogenic/Likely pathogenic. Review status: criteria provided, multiple submitters, no conflicts (2 of 4 stars). 2 submissions from 2 submitters: Pathogenic (1); Likely pathogenic (1). Last evaluated 2025-10-09.

Conditions:
Smith-Lemli-Opitz syndrome (SLOS). Also called: LETHAL ACRODYSGENITAL SYNDROME; POLYDACTYLY, SEX REVERSAL, RENAL HYPOPLASIA, AND UNILOBAR LUNG; RSH SYNDROME; RUTLEDGE LETHAL MULTIPLE CONGENITAL ANOMALY SYNDROME; 7-Dehydrocholesterol reductase deficiency. Identifiers: Orphanet 818, MedGen C0175694, MONDO:0010035, OMIM 270400.

Submissions (2):

Natera, Inc.
Classification: Pathogenic for Smith-Lemli-Opitz syndrome. Last evaluated: 2025-10-09. Review status: criteria provided, single submitter. Criteria: Natera Variant Classification Schema (03/2026). Collection method: clinical testing. Allele origin: germline.
Comment: The c.831+1G>T variant in DHCR7 is a canonical splice donor site variant predicted to affect pre-mRNA splicing, which may result in an abnormal transcript and altered protein product. This variant is expected to result in nonsense mediated decay, truncation, or a dysfunctional protein product. This variant is rare in the general population with a frequency below the threshold expected for the associated phenotype(s). Another variant at this same site results in an alteration predicted to cause a similar molecular effect has been observed in individual(s) with the associated phenotype. Given the available evidence, this variant is classified as Pathogenic.

Fulgent Genetics
Classification: Likely pathogenic for Smith-Lemli-Opitz syndrome. Last evaluated: 2024-06-08. Review status: criteria provided, single submitter. Criteria: ACMG Guidelines, 2015. Collection method: clinical testing. Allele origin: germline.

NM_001360.3(DHCR7):c.831+1G>T

Gene: DHCR7 (7-dehydrocholesterol reductase; minus strand). Cytogenetic location: 11q13.4.
Variant type: single nucleotide variant.
Coding change: c.831+1G>T on transcript NM_001360.3 (MANE Select); the canonical splice donor site of the intron after coding-DNA position 831, G replaced by T.
Molecular consequence: splice donor variant.
Genome position (GRCh38, 1-based): chr11:71,438,878, C>A on the plus strand (G>T on the coding strand, the complement: DHCR7 is on the minus strand). VCF-style: chr11-71438878-C-A. GRCh37 (hg19) VCF-style: chr11-71149924-C-A.
Other names: c.831+1G>T (NM_001360.2, NM_001425120.1, NM_001425109.1 and 7 more transcripts); c.735+1G>T (NM_001425114.1, NM_001425116.1); c.771+1G>T (NM_001425113.1); c.882+1G>T (NM_001425107.1); c.867+1G>T (NM_001425108.1); c.657+1G>T (NM_001425117.1).
Identifiers: ClinVar variation 3573975 (VCV003573975.2).